The following is an entry in ClinVar:

NM_001851.6(COL9A1):c.340T>G (p.Leu114Val)

Gene: COL9A1 (collagen type IX alpha 1 chain; minus strand). Cytogenetic location: 6q13.
Variant type: single nucleotide variant.
Coding change: c.340T>G on transcript NM_001851.6 (MANE Select); coding-DNA position 340, T replaced by G.
Protein change: p.Leu114Val; replaces leucine 114 with valine.
Molecular consequence: missense variant.
Genome position (GRCh38, 1-based): chr6:70,294,523, A>C on the plus strand (T>G on the coding strand, the complement: COL9A1 is on the minus strand). VCF-style: chr6-70294523-A-C. GRCh37 (hg19) VCF-style: chr6-71004226-A-C.
Other names: c.340T>G, p.Leu114Val (NM_001377291.1); short protein forms L114V.
Identifiers: ClinVar variation 951174 (VCV000951174.9), dbSNP rs769945785, ClinGen allele CA3882840.

ClinVar aggregate classification (germline): Uncertain significance. Review status: criteria provided, multiple submitters, no conflicts (2 of 4 stars). 2 submissions from 2 submitters: Uncertain significance (2). Last evaluated 2024-10-15.

Conditions:
Inborn genetic diseases. Identifiers: MedGen C0950123, MeSH D030342.

Allele frequency attached by ClinVar (database versions not stated): gnomAD exomes below 0.00001; TOPMed below 0.00001; ExAC 0.00001; gnomAD 0.00001.
gnomAD v4.1: 5 of 1,613,956 alleles (0.00031%); highest among the groups gnomAD compares: East Asian, 0.0045%; no homozygotes.

Submissions (2):

Labcorp Genetics (formerly Invitae), Labcorp
Classification: Uncertain significance. Last evaluated: 2024-10-15. Review status: criteria provided, single submitter. Criteria: Invitae Variant Classification Sherloc (09022015). Collection method: clinical testing. Allele origin: germline.
Comment: This sequence change replaces leucine, which is neutral and non-polar, with valine, which is neutral and non-polar, at codon 114 of the COL9A1 protein (p.Leu114Val). This variant is present in population databases (rs769945785, gnomAD 0.006%). This variant has not been reported in the literature in individuals affected with COL9A1-related conditions. ClinVar contains an entry for this variant (Variation ID: 951174). Invitae Evidence Modeling of protein sequence and biophysical properties (such as structural, functional, and spatial information, amino acid conservation, physicochemical variation, residue mobility, and thermodynamic stability) indicates that this missense variant is not expected to disrupt COL9A1 protein function with a negative predictive value of 95%. In summary, the available evidence is currently insufficient to determine the role of this variant in disease. Therefore, it has been classified as a Variant of Uncertain Significance.

Ambry Genetics
Classification: Uncertain significance for Inborn genetic diseases. Last evaluated: 2023-02-28. Review status: criteria provided, single submitter. Criteria: Ambry Variant Classification Scheme 2023. Collection method: clinical testing. Allele origin: germline.